The following is an entry in ClinVar:

NM_001010870.3(TDRD6):c.4431T>G (p.Tyr1477Ter)

Gene: TDRD6 (tudor domain containing 6; plus strand). Cytogenetic location: 6p12.3.
Variant type: single nucleotide variant.
Coding change: c.4431T>G on transcript NM_001010870.3 (MANE Select); coding-DNA position 4431, T replaced by G.
Protein change: p.Tyr1477Ter; replaces tyrosine 1477 with a stop codon.
Molecular consequence: nonsense.
Genome position (GRCh38, 1-based): chr6:46,692,559, T>G. VCF-style: chr6-46692559-T-G. GRCh37 (hg19) VCF-style: chr6-46660296-T-G.
Other names: c.4431T>G, p.Tyr1477Ter (NM_001168359.2); short protein forms Y1477*.
Identifiers: ClinVar variation 4533387 (VCV004533387.1).
Genomic context (GRCh38, chr6:46,692,559, plus strand): 5'-ATGGGAAGTTATTCTTGCTGATGAACATGGGATCATAGCAGATGATATGATTAGCAGGTA[T>G]GCTCTCAGTGAAAAATCTCAAGTAGAACTTTCTACCCAAGTAATTAAAAGTGCCAGTTCA-3'

ClinVar aggregate classification (germline): Pathogenic (1 of 4 stars; one submission).

Conditions:
Male infertility. Identifiers: MedGen C0021364, MeSH D007248, MONDO:0005372, HP:0003251.

gnomAD v4.1: 24 of 1,613,808 alleles (0.0015%); highest among the groups gnomAD compares: South Asian, 0.0033%; no homozygotes.

Submission:

Institute of Reproductive Genetics, University of Münster
Classification: Pathogenic for Male infertility. Last evaluated: 2025-12-03. Review status: criteria provided, single submitter. Criteria: Uk Practice Guidelines For Variant Classification V4 01 2020. Collection method: research. Allele origin: germline. Affected: yes. Observed: 1 variant allele.
Comment: The NM_001010870.3:c.4431T>G, is a stop-gain variant in TDRD6 which results in the insertion of a premature stop codon at position 1477 (PVS1). This variant is very rare in gnomAD (PM2_sup); version 4.1.1 and functional analysis demonstrated dysfunction of TDRD6 in the proband’s testicular tissue (PS3_sup). In summary, this variant meets criteria to be classified as pathogenic for male infertility based on the ACMG/ criteria applied, as specified by the UK Best Practice Guidelines for variant classification (PVS1, PM2_sup, PS3_sup).